The following is an entry in ClinVar:

ClinVar aggregate classification (germline): Likely benign. Review status: criteria provided, multiple submitters, no conflicts (2 of 4 stars). 3 submissions from 3 submitters: Likely benign (3). Last evaluated 2024-12-11.

Conditions:
COL4A3-related disorder. Also called: COL4A3-related condition; COL4A3-Related Disorders.

Allele frequency attached by ClinVar (database versions not stated): TOPMed 0.00002; ESP Exome Variant Server 0.00008.

Submissions (3):

PreventionGenetics, part of Exact Sciences
Classification: Likely benign for COL4A3-related condition. Last evaluated: 2024-12-11. Review status: criteria provided, single submitter. Criteria: ACMG Guidelines, 2015. Collection method: clinical testing. Allele origin: germline.
Comment: This variant is classified as likely benign based on ACMG/AMP sequence variant interpretation guidelines (Richards et al. 2015 PMID: 25741868, with internal and published modifications).

Labcorp Genetics (formerly Invitae), Labcorp
Classification: Likely benign. Last evaluated: 2023-09-26. Review status: criteria provided, single submitter. Criteria: Invitae Variant Classification Sherloc (09022015). Collection method: clinical testing. Allele origin: germline.

GeneDx
Classification: Likely benign. Last evaluated: 2018-04-09. Review status: criteria provided, single submitter. Criteria: GeneDx Variant Classification (06012015). Collection method: clinical testing. Allele origin: germline. Affected: yes.
Comment: This variant is considered likely benign or benign based on one or more of the following criteria: it is a conservative change, it occurs at a poorly conserved position in the protein, it is predicted to be benign by multiple in silico algorithms, and/or has population frequency not consistent with disease.

NM_000091.5(COL4A3):c.1311G>A (p.Pro437=)

Genes: COL4A3 (collagen type IV alpha 3 chain; plus strand), MFF-DT (MFF divergent transcript; minus strand). Cytogenetic location: 2q36.3.
Variant type: single nucleotide variant.
Coding change: c.1311G>A on transcript NM_000091.5 (MANE Select); coding-DNA position 1311, G replaced by A.
Protein change: p.Pro437=; no amino-acid change (proline 437 retained).
Molecular consequence: synonymous variant.
Genome position (GRCh38, 1-based): chr2:227,263,940, G>A. VCF-style: chr2-227263940-G-A. GRCh37 (hg19) VCF-style: chr2-228128656-G-A.
Identifiers: ClinVar variation 681396 (VCV000681396.10), dbSNP rs369557944, ClinGen allele CA2146601.
Genomic context (GRCh38, chr2:227,263,940, plus strand): 5'-TGGGTCCCCAGGTTGTGCTGGTTCACCAGGTCTTCCAGGATCACCGGGACCTCCAGGACC[G>A]CCAGGTAAAGATGTGGAAGGGGACCCCTTTTGTGCACAGTGCCAAATGACAGATGTGTGC-3'
Protein context (NP_000082.2, residues 427-447): GLPGSPGPPG[Pro437=]PGDIVFRKGP